The following is an entry in ClinVar:

NM_001378454.1(ALMS1):c.8875G>C (p.Asp2959His)

Gene: ALMS1 (ALMS1 centrosome and basal body associated protein; plus strand). Cytogenetic location: 2p13.1.
Variant type: single nucleotide variant.
Coding change: c.8875G>C on transcript NM_001378454.1 (MANE Select); coding-DNA position 8875, G replaced by C.
Protein change: p.Asp2959His; replaces aspartic acid 2959 with histidine.
Molecular consequence: missense variant.
Genome position (GRCh38, 1-based): chr2:73,490,834, G>C. VCF-style: chr2-73490834-G-C. GRCh37 (hg19) VCF-style: chr2-73717961-G-C.
Other names: c.8878G>C, p.Asp2960His (NM_015120.4); short protein forms D2960H, D2959H.
Identifiers: ClinVar variation 1444823 (VCV001444823.3), dbSNP rs375254366, ClinGen allele CA50379578.

ClinVar aggregate classification (germline): Uncertain significance (1 of 4 stars; one submission).

Conditions:
Alstrom syndrome (ALMS). Identifiers: Orphanet 64, MedGen C0268425, MONDO:0008763, OMIM 203800.

Allele frequency attached by ClinVar (database versions not stated): gnomAD exomes below 0.00001; TOPMed below 0.00001; gnomAD 0.00001; ESP Exome Variant Server 0.00008.
gnomAD v4.1: 8 of 1,613,732 alleles (0.0005%); highest among the groups gnomAD compares: Non-Finnish European, 0.00051%; no homozygotes.

Submission:

Labcorp Genetics (formerly Invitae), Labcorp
Classification: Uncertain significance for Alstrom syndrome. Last evaluated: 2021-09-02. Review status: criteria provided, single submitter. Criteria: Invitae Variant Classification Sherloc (09022015). Collection method: clinical testing. Allele origin: germline.
Comment: This sequence change replaces aspartic acid with histidine at codon 2960 of the ALMS1 protein (p.Asp2960His). The aspartic acid residue is moderately conserved and there is a moderate physicochemical difference between aspartic acid and histidine. This variant is not present in population databases (ExAC no frequency). This variant has not been reported in the literature in individuals affected with ALMS1-related conditions. Experimental studies and prediction algorithms are not available or were not evaluated, and the functional significance of this variant is currently unknown. In summary, the available evidence is currently insufficient to determine the role of this variant in disease. Therefore, it has been classified as a Variant of Uncertain Significance.